The following is an entry in ClinVar:

ClinVar aggregate classification (germline): Uncertain significance. Review status: criteria provided, multiple submitters, no conflicts (2 of 4 stars). 4 submissions from 4 submitters: Uncertain significance (4). Last evaluated 2024-09-30.

Conditions:
Primary ciliary dyskinesia 23 (CILD23). Also called: CILIARY DYSKINESIA, PRIMARY, 23, WITH OR WITHOUT SITUS INVERSUS. Identifiers: Orphanet 244, MedGen C3809548, MONDO:0014193, OMIM 615451.
Primary ciliary dyskinesia. Also called: Ciliary dyskinesia. Identifiers: Orphanet 244, MedGen C0008780, MONDO:0016575, HP:0012265.

Allele frequency attached by ClinVar (database versions not stated): gnomAD 0.00005 and 0.00006; TOPMed 0.00005.
gnomAD v4.1: 264 of 1,613,886 alleles (0.016%); highest among the groups gnomAD compares: Middle Eastern, 0.066%; no homozygotes.

Submissions (4):

Ambry Genetics
Classification: Uncertain significance for Primary ciliary dyskinesia. Last evaluated: 2024-09-30. Review status: criteria provided, single submitter. Criteria: Ambry Variant Classification Scheme 2023. Collection method: clinical testing. Allele origin: germline.

Blueprint Genetics
Classification: Uncertain significance. Last evaluated: 2024-07-05. Review status: criteria provided, single submitter. Criteria: ACMG Guidelines, 2015. Collection method: clinical testing. Allele origin: germline.

Labcorp Genetics (formerly Invitae), Labcorp
Classification: Uncertain significance for Primary ciliary dyskinesia 23. Last evaluated: 2023-12-18. Review status: criteria provided, single submitter. Criteria: Invitae Variant Classification Sherloc (09022015). Collection method: clinical testing. Allele origin: germline.
Comment: This sequence change replaces cysteine, which is neutral and slightly polar, with serine, which is neutral and polar, at codon 783 of the ARMC4 protein (p.Cys783Ser). This variant is present in population databases (rs767169905, gnomAD 0.02%). This variant has not been reported in the literature in individuals affected with ARMC4-related conditions. ClinVar contains an entry for this variant (Variation ID: 1312866). An algorithm developed to predict the effect of missense changes on protein structure and function (PolyPhen-2) suggests that this variant is likely to be disruptive. In summary, the available evidence is currently insufficient to determine the role of this variant in disease. Therefore, it has been classified as a Variant of Uncertain Significance.

GeneDx
Classification: Uncertain significance. Last evaluated: 2020-07-07. Review status: criteria provided, single submitter. Criteria: GeneDx Variant Classification Process June 2021. Collection method: clinical testing. Allele origin: germline. Affected: yes.
Comment: In silico analysis supports that this missense variant has a deleterious effect on protein structure/function; Has not been previously published as pathogenic or benign to our knowledge

NM_018076.5(ODAD2):c.2347T>A (p.Cys783Ser)

Gene: ODAD2 (outer dynein arm docking complex subunit 2; minus strand). Cytogenetic location: 10p12.1.
Variant type: single nucleotide variant.
Coding change: c.2347T>A on transcript NM_018076.5 (MANE Select); coding-DNA position 2347, T replaced by A.
Protein change: p.Cys783Ser; replaces cysteine 783 with serine.
Molecular consequence: missense variant.
Genome position (GRCh38, 1-based): chr10:27,935,158, A>T on the plus strand (T>A on the coding strand, the complement: ODAD2 is on the minus strand). VCF-style: chr10-27935158-A-T. GRCh37 (hg19) VCF-style: chr10-28224087-A-T.
Other names: c.2347T>A (NM_018076.2); c.2347T>A, p.Cys783Ser (NM_001290020.2); c.922T>A, p.Cys308Ser (NM_001290021.2); c.1423T>A, p.Cys475Ser (NM_001312689.2); short protein forms C308S, C475S, C783S.
Identifiers: ClinVar variation 1312866 (VCV001312866.7), dbSNP rs767169905, ClinGen allele CA5453225.